The following is an entry in ClinVar:

ClinVar aggregate classification (germline): Likely pathogenic. Review status: criteria provided, multiple submitters, no conflicts (2 of 4 stars). 2 submissions from 2 submitters: Likely pathogenic (2). Last evaluated 2023-08-18.

Conditions:
Hereditary spherocytosis type 2. Also called: SPHEROCYTOSIS, TYPE 2, AUTOSOMAL DOMINANT. Identifiers: Orphanet 822, MedGen C2674219, MONDO:0000913, OMIM 616649.
Elliptocytosis 3 (EL3). Identifiers: MedGen C1866810, MONDO:0054780, OMIM 617948.

Submissions (2):

Revvity Omics, Revvity
Classification: Likely pathogenic. Last evaluated: 2023-08-18. Review status: criteria provided, single submitter. Criteria: ACMG Guidelines, 2015. Collection method: clinical testing. Allele origin: germline.

Juno Genomics, Hangzhou Juno Genomics, Inc
Classification: Likely pathogenic for Elliptocytosis 3; Hereditary spherocytosis type 2. Review status: criteria provided, single submitter. Criteria: ACMG Guidelines, 2015. Collection method: clinical testing. Allele origin: germline.
Comment: Null variant in a gene where loss of function (LOF) is a known mechanism of disease.;Absent from controls (or at extremely low frequency if recessive) in Genome Aggregation Database.

NM_001355436.2(SPTB):c.5336G>A (p.Trp1779Ter)

Gene: SPTB (spectrin beta, erythrocytic; minus strand). Cytogenetic location: 14q23.3.
Variant type: single nucleotide variant.
Coding change: c.5336G>A on transcript NM_001355436.2 (MANE Select); coding-DNA position 5336, G replaced by A.
Protein change: p.Trp1779Ter; replaces tryptophan 1779 with a stop codon.
Molecular consequence: nonsense.
Genome position (GRCh38, 1-based): chr14:64,772,797, C>T on the plus strand (G>A on the coding strand, the complement: SPTB is on the minus strand). VCF-style: chr14-64772797-C-T. GRCh37 (hg19) VCF-style: chr14-65239515-C-T.
Other names: c.5336G>A, p.Trp1779Ter (NM_001024858.4, NM_001355437.2); short protein forms W1779*.
Identifiers: ClinVar variation 4077647 (VCV004077647.3).